The following is an entry in ClinVar:

NM_003242.6(TGFBR2):c.94+7G>C

Gene: TGFBR2 (transforming growth factor beta receptor 2; plus strand). Cytogenetic location: 3p24.1.
Variant type: single nucleotide variant.
Coding change: c.94+7G>C on transcript NM_003242.6 (MANE Select); 7 bases into the intron after coding-DNA position 94, G replaced by C.
Molecular consequence: intron variant.
Genome position (GRCh38, 1-based): chr3:30,606,984, G>C. VCF-style: chr3-30606984-G-C. GRCh37 (hg19) VCF-style: chr3-30648476-G-C.
Other names: c.-12+391G>C (NM_001407129.1, NM_001407132.1); c.-200+7G>C (NM_001407136.1); c.-190+7G>C (NM_001407133.1); c.94+7G>C (NM_001407126.1, NM_001024847.3, NM_001407139.1 and 4 more transcripts); c.-115+7G>C (NM_001407135.1); c.-68+7G>C (NM_001407134.1).
Identifiers: ClinVar variation 1711568 (VCV001711568.32), dbSNP rs1575125943, ClinGen allele CA2580069221.

ClinVar aggregate classification (germline): Conflicting classifications of pathogenicity. Review status: criteria provided, conflicting classifications (1 of 4 stars). 2 submissions from 2 submitters: Uncertain significance (1); Likely benign (1). Last evaluated 2026-01-21.

Conditions:
Familial thoracic aortic aneurysm and aortic dissection (TAAD). Also called: Thoracic aortic aneurysms and dissections. Identifiers: Orphanet 91387, MedGen C4707243, MONDO:0019625.

Submissions (2):

Labcorp Genetics (formerly Invitae), Labcorp
Classification: Likely benign for Familial thoracic aortic aneurysm and aortic dissection. Last evaluated: 2026-01-21. Review status: criteria provided, single submitter. Criteria: Invitae Variant Classification Sherloc (09022015). Collection method: clinical testing. Allele origin: germline.

CeGaT Center for Human Genetics Tuebingen
Classification: Uncertain significance. Last evaluated: 2022-09-01. Review status: criteria provided, single submitter. Criteria: CeGaT Center For Human Genetics Tuebingen Variant Classification Criteria Version 2. Collection method: clinical testing. Allele origin: germline. Affected: yes. Observed: 1 variant allele.
Comment: TGFBR2: PM2, BP4